The following is an entry in ClinVar:

ClinVar aggregate classification (germline): Uncertain significance. Review status: criteria provided, multiple submitters, no conflicts (2 of 4 stars). 3 submissions from 3 submitters: Uncertain significance (3). Last evaluated 2026-02-20.

Conditions:
Cowden syndrome (CS). Also called: Cowden's disease; Cowden's syndrome; Cowden disease. Identifiers: Orphanet 201, MedGen C0018553, MONDO:0016063. Disease mechanism: gain of function.
Hereditary cancer-predisposing syndrome. Also called: Neoplastic Syndromes, Hereditary; Tumor predisposition; Hereditary neoplastic syndrome; Hereditary Cancer Syndrome. Identifiers: Orphanet 140162, MedGen C0027672, MeSH D009386, MONDO:0015356.

Allele frequency attached by ClinVar (database versions not stated): gnomAD exomes below 0.00001; TOPMed 0.00001.
gnomAD v4.1: 1 of 1,598,032 alleles (0.000063%); highest among the groups gnomAD compares: Non-Finnish European, 0.000085%; no homozygotes.

Submissions (3):

Dasa
Classification: Uncertain significance. Last evaluated: 2026-02-20. Review status: criteria provided, single submitter. Criteria: DASA Assertion Criteria. Collection method: clinical testing. Allele origin: germline.
Comment: NM_006218.4(PIK3CA):c.1321A>G (p.Met441Val) is a missense variant that results in the substitution of methionine with valine. This variant is rare in population databases. The currently available literature and clinical evidence are not sufficient to establish a definitive association between this variant and the reported condition. Therefore, this variant is classified as a variant of uncertain significance.

Labcorp Genetics (formerly Invitae), Labcorp
Classification: Uncertain significance for Cowden syndrome. Last evaluated: 2024-05-29. Review status: criteria provided, single submitter. Criteria: Invitae Variant Classification Sherloc (09022015). Collection method: clinical testing. Allele origin: germline.
Comment: This sequence change replaces methionine, which is neutral and non-polar, with valine, which is neutral and non-polar, at codon 441 of the PIK3CA protein (p.Met441Val). This variant is not present in population databases (gnomAD no frequency). This variant has not been reported in the literature in individuals affected with PIK3CA-related conditions. ClinVar contains an entry for this variant (Variation ID: 584653). Advanced modeling of protein sequence and biophysical properties (such as structural, functional, and spatial information, amino acid conservation, physicochemical variation, residue mobility, and thermodynamic stability) has been performed at Invitae for this missense variant, however the output from this modeling did not meet the statistical confidence thresholds required to predict the impact of this variant on PIK3CA protein function. In summary, the available evidence is currently insufficient to determine the role of this variant in disease. Therefore, it has been classified as a Variant of Uncertain Significance.

Mendelics
Classification: Uncertain significance for Hereditary cancer-predisposing syndrome. Last evaluated: 2018-07-02. Review status: criteria provided, single submitter. Criteria: Mendelics Assertion Criteria 2017. Collection method: clinical testing. Allele origin: unknown.

NM_006218.4(PIK3CA):c.1321A>G (p.Met441Val)

Gene: PIK3CA (phosphatidylinositol-4,5-bisphosphate 3-kinase catalytic subunit alpha; plus strand). Cytogenetic location: 3q26.32.
Variant type: single nucleotide variant.
Coding change: c.1321A>G on transcript NM_006218.4 (MANE Select); coding-DNA position 1321, A replaced by G.
Protein change: p.Met441Val; replaces methionine 441 with valine.
Molecular consequence: missense variant.
Genome position (GRCh38, 1-based): chr3:179,210,255, A>G. VCF-style: chr3-179210255-A-G. GRCh37 (hg19) VCF-style: chr3-178928043-A-G.
Other names: short protein forms M441V.
Identifiers: ClinVar variation 584653 (VCV000584653.12), dbSNP rs1427967136, ClinGen allele CA355261791.